The following is an entry in ClinVar:

NM_001317162.2(PLAGL1):c.429G>A (p.Ala143=)

Gene: PLAGL1 (PLAG1 like zinc finger 1; minus strand). Cytogenetic location: 6q24.2.
Variant type: single nucleotide variant.
Coding change: c.429G>A on transcript NM_001317162.2 (MANE Select); coding-DNA position 429, G replaced by A.
Protein change: p.Ala143=; no amino-acid change (alanine 143 retained).
Molecular consequence: synonymous variant.
Genome position (GRCh38, 1-based): chr6:143,942,387, C>T on the plus strand (G>A on the coding strand, the complement: PLAGL1 is on the minus strand). VCF-style: chr6-143942387-C-T. GRCh37 (hg19) VCF-style: chr6-144263524-C-T.
Other names: c.429G>A, p.Ala143= (NM_001080951.3, NM_001080952.3, NM_001080953.3 and 14 more transcripts); c.273G>A, p.Ala91= (NM_001080955.3, NM_001080956.3, NM_001289037.2 and 6 more transcripts).
Identifiers: ClinVar variation 784099 (VCV000784099.5), dbSNP rs17073229, ClinGen allele CA4031432.
Genomic context (GRCh38, chr6:143,942,387, plus strand): 5'-TCTTTCACAGTGGTCGCACTGGTGCTTCTTTTCCTTGGTTCCGCTAGGGGGCTTCTCTTC[C>T]GCATGGGCTTTGAGGTGGTCCAGTAGCACCTCGGTGCTCCCTAGCTCCAGGGCACAGACC-3'
Protein context (NP_001304091.1, residues 133-153): EVLLDHLKAH[Ala143=]EEKPPSGTKE

ClinVar aggregate classification (germline): Benign. Review status: criteria provided, single submitter (1 of 4 stars). 2 submissions from 2 submitters: Benign (1). 1 of the submissions does not count toward it. Last evaluated 2018-08-15.

Conditions:
PLAGL1-related disorder. Also called: PLAGL1-related condition.

Allele frequency attached by ClinVar (database versions not stated): gnomAD exomes 0.00165 and 0.00446; ExAC 0.00567; gnomAD 0.01799 and 0.01926; TOPMed 0.01918; 1000 Genomes Project 0.01997; ESP Exome Variant Server 0.02061; 1000 Genomes Project 30x 0.02092.
gnomAD v4.1: 5,276 of 1,614,110 alleles (0.33%); highest among the groups gnomAD compares: African/African-American, 6.1%; 170 homozygotes.

Submissions (2):

Labcorp Genetics (formerly Invitae), Labcorp
Classification: Benign. Last evaluated: 2018-08-15. Review status: criteria provided, single submitter. Criteria: Invitae Variant Classification Sherloc (09022015). Collection method: clinical testing. Allele origin: germline.

PreventionGenetics, part of Exact Sciences
Classification: Benign for PLAGL1-related condition. Last evaluated: 2019-06-04. Review status: no assertion criteria provided. Collection method: clinical testing. Allele origin: germline. Not counted in ClinVar's aggregate classification.
Comment: This variant is classified as benign based on ACMG/AMP sequence variant interpretation guidelines (Richards et al. 2015 PMID: 25741868, with internal and published modifications).